The following is an entry in ClinVar:

NM_001035.3(RYR2):c.14151+6C>T

Gene: RYR2 (ryanodine receptor 2; plus strand). Cytogenetic location: 1q43.
Variant type: single nucleotide variant.
Coding change: c.14151+6C>T on transcript NM_001035.3 (MANE Select); 6 bases into the intron after coding-DNA position 14151, C replaced by T.
Molecular consequence: intron variant.
Genome position (GRCh38, 1-based): chr1:237,801,922, C>T. VCF-style: chr1-237801922-C-T. GRCh37 (hg19) VCF-style: chr1-237965222-C-T.
Identifiers: ClinVar variation 1944620 (VCV001944620.6), dbSNP rs1346703179, ClinGen allele CA529566312.

ClinVar aggregate classification (germline): Uncertain significance. Review status: criteria provided, multiple submitters, no conflicts (2 of 4 stars). 2 submissions from 2 submitters: Uncertain significance (2). Last evaluated 2024-08-13.

Conditions:
Catecholaminergic polymorphic ventricular tachycardia 1. Also called: VENTRICULAR TACHYCARDIA, STRESS-INDUCED POLYMORPHIC 1; VENTRICULAR TACHYCARDIA, CATECHOLAMINERGIC POLYMORPHIC, 1, WITH OR WITHOUT ATRIAL DYSFUNCTION AND/OR DILATED CARDIOMYOPATHY; RYR2-Related Catecholaminergic Polymorphic Ventricular Tachycardia. Identifiers: Orphanet 3286, MedGen C1631597, MONDO:0011484, OMIM 604772.
Catecholaminergic polymorphic ventricular tachycardia (CVPT). Also called: Catecholamine-induced polymorphic ventricular tachycardia. Identifiers: Orphanet 3286, MedGen C5574922, MONDO:0017990.

Allele frequency attached by ClinVar (database versions not stated): gnomAD exomes below 0.00001; gnomAD 0.00001.

Submissions (2):

All of Us Research Program, National Institutes of Health
Classification: Uncertain significance for Catecholaminergic polymorphic ventricular tachycardia. Last evaluated: 2024-08-13. Review status: criteria provided, single submitter. Criteria: ACMG Guidelines, 2015. Collection method: clinical testing. Allele origin: germline. Inheritance: Autosomal dominant inheritance. Observed: 1 variant allele, 1 heterozygote.
Comment: This variant causes a C to T nucleotide substitution at the +6 position of intron 98 of the RYR2 gene. To our knowledge, functional studies have not been reported for this variant. This variant has not been reported in individuals affected with RYR2-related disorders in the literature. This variant has been identified in 2/278736 chromosomes in the general population by the Genome Aggregation Database (gnomAD). The available evidence is insufficient to determine the role of this variant in disease conclusively. Therefore, this variant is classified as a Variant of Uncertain Significance.

This study involves interpretation of variants in research participants for the purpose of population health screening. Participant phenotype was not available at the time of variant classification. Additional details can be found in publication PMID: 35346344, PMCID: PMC8962531

Labcorp Genetics (formerly Invitae), Labcorp
Classification: Uncertain significance for Catecholaminergic polymorphic ventricular tachycardia 1. Last evaluated: 2023-01-29. Review status: criteria provided, single submitter. Criteria: Invitae Variant Classification Sherloc (09022015). Collection method: clinical testing. Allele origin: germline.
Comment: In summary, the available evidence is currently insufficient to determine the role of this variant in disease. Therefore, it has been classified as a Variant of Uncertain Significance. Variants that disrupt the consensus splice site are a relatively common cause of aberrant splicing (PMID: 17576681, 9536098). Algorithms developed to predict the effect of sequence changes on RNA splicing suggest that this variant is not likely to affect RNA splicing. This variant has not been reported in the literature in individuals affected with RYR2-related conditions. The frequency data for this variant in the population databases is considered unreliable, as metrics indicate poor data quality at this position in the gnomAD database. This sequence change falls in intron 98 of the RYR2 gene. It does not directly change the encoded amino acid sequence of the RYR2 protein. It affects a nucleotide within the consensus splice site.

Literature cited by the submitters: PubMed 17576681 (cited by Labcorp Genetics (formerly Invitae), Labcorp); PubMed 9536098 (cited by Labcorp Genetics (formerly Invitae), Labcorp).